The following is an entry in ClinVar:

ClinVar aggregate classification (germline): Likely benign (1 of 4 stars; one submission).

Conditions:
LRP5-related disorder. Also called: LRP5-related condition.

gnomAD v4.1: 42 of 508,572 alleles (0.0083%); highest among the groups gnomAD compares: South Asian, 0.063%; no homozygotes.

Submission:

PreventionGenetics, part of Exact Sciences
Classification: Likely benign for LRP5-related condition. Last evaluated: 2024-12-04. Review status: criteria provided, single submitter. Criteria: ACMG Guidelines, 2015. Collection method: clinical testing. Allele origin: germline.
Comment: This variant is classified as likely benign based on ACMG/AMP sequence variant interpretation guidelines (Richards et al. 2015 PMID: 25741868, with internal and published modifications).

NM_002335.4(LRP5):c.1801+713C>T

Gene: LRP5 (LDL receptor related protein 5; plus strand). Cytogenetic location: 11q13.2.
Variant type: single nucleotide variant.
Coding change: c.1801+713C>T on transcript NM_002335.4 (MANE Select); 713 bases into the intron after coding-DNA position 1801, C replaced by T.
Molecular consequence: intron variant. On other transcripts: synonymous variant (1).
Genome position (GRCh38, 1-based): chr11:68,404,412, C>T. VCF-style: chr11-68404412-C-T. GRCh37 (hg19) VCF-style: chr11-68171880-C-T.
Other names: c.54C>T, p.Val18= (NM_001291902.2).
Identifiers: ClinVar variation 4980676 (VCV004980676.1).